The following is an entry in ClinVar:

ClinVar aggregate classification (germline): Uncertain significance. Review status: criteria provided, multiple submitters, no conflicts (2 of 4 stars). 2 submissions from 2 submitters: Uncertain significance (2). Last evaluated 2026-01-19.

Conditions:
Arrhythmogenic right ventricular dysplasia 13. Also called: Arrhythmogenic right ventricular dysplasia, familial, 13; ARRHYTHMOGENIC RIGHT VENTRICULAR CARDIOMYOPATHY 13. Identifiers: MedGen C3810138, MONDO:0000908, OMIM 615616.

Allele frequency attached by ClinVar (database versions not stated): ExAC 0.00001; gnomAD exomes 0.00001; TOPMed 0.00002; gnomAD 0.00003.
gnomAD v4.1: 18 of 1,613,318 alleles (0.0011%); highest among the groups gnomAD compares: African/African-American, 0.004%; no homozygotes.

Submissions (2):

Labcorp Genetics (formerly Invitae), Labcorp
Classification: Uncertain significance for Arrhythmogenic right ventricular dysplasia 13. Last evaluated: 2026-01-19. Review status: criteria provided, single submitter. Criteria: Invitae Variant Classification Sherloc (09022015). Collection method: clinical testing. Allele origin: germline.
Comment: This sequence change replaces arginine, which is basic and polar, with cysteine, which is neutral and slightly polar, at codon 191 of the CTNNA3 protein (p.Arg191Cys). This variant is present in population databases (rs755934798, gnomAD 0.004%). This variant has not been reported in the literature in individuals affected with CTNNA3-related conditions. ClinVar contains an entry for this variant (Variation ID: 1450873). Invitae Evidence Modeling of protein sequence and biophysical properties (such as structural, functional, and spatial information, amino acid conservation, physicochemical variation, residue mobility, and thermodynamic stability) indicates that this missense variant is expected to disrupt CTNNA3 protein function with a positive predictive value of 80%. In summary, the available evidence is currently insufficient to determine the role of this variant in disease. Therefore, it has been classified as a Variant of Uncertain Significance.

Ambry Genetics
Classification: Uncertain significance. Last evaluated: 2024-07-07. Review status: criteria provided, single submitter. Criteria: Ambry Variant Classification Scheme 2023. Collection method: clinical testing. Allele origin: germline.
Comment: The p.R191C variant (also known as c.571C>T), located in coding exon 4 of the CTNNA3 gene, results from a C to T substitution at nucleotide position 571. The arginine at codon 191 is replaced by cysteine, an amino acid with highly dissimilar properties. This amino acid position is conserved. In addition, this alteration is predicted to be deleterious by in silico analysis. Based on the available evidence, the clinical significance of this variant remains unclear.

NM_013266.4(CTNNA3):c.571C>T (p.Arg191Cys)

Gene: CTNNA3 (catenin alpha 3; minus strand). Cytogenetic location: 10q21.3.
Variant type: single nucleotide variant.
Coding change: c.571C>T on transcript NM_013266.4 (MANE Select); coding-DNA position 571, C replaced by T.
Protein change: p.Arg191Cys; replaces arginine 191 with cysteine.
Molecular consequence: missense variant.
Genome position (GRCh38, 1-based): chr10:67,521,850, G>A on the plus strand (C>T on the coding strand, the complement: CTNNA3 is on the minus strand). VCF-style: chr10-67521850-G-A. GRCh37 (hg19) VCF-style: chr10-69281608-G-A.
Other names: c.571C>T, p.Arg191Cys (NM_001127384.3); c.607C>T, p.Arg203Cys (NM_001291133.2); c.571C>T (NM_013266.2); short protein forms R191C, R203C.
Identifiers: ClinVar variation 1450873 (VCV001450873.7), dbSNP rs755934798, ClinGen allele CA5520582.